The following is an entry in ClinVar:

ClinVar aggregate classification (germline): Likely benign (1 of 4 stars; one submission).

Conditions:
Brachydactyly. Also called: Brachydactyly syndrome; Brachydactyly (disease). Identifiers: MedGen C0221357, MONDO:0021004, HP:0001156.

Allele frequency attached by ClinVar (database versions not stated): 1000 Genomes Project 0.00120; gnomAD 0.00143 and 0.00144; TOPMed 0.00152; 1000 Genomes Project 30x 0.00156.

Submission:

Illumina Laboratory Services, Illumina
Classification: Likely benign for Brachydactyly. Last evaluated: 2018-01-12. Review status: criteria provided, single submitter. Criteria: ICSL Variant Classification Criteria 13 December 2019. Collection method: clinical testing. Allele origin: germline.
Comment: This variant was observed in the ICSL laboratory as part of a predisposition screen in an ostensibly healthy population. It had not been previously curated by ICSL or reported in the Human Gene Mutation Database (HGMD: prior to June 1st, 2018), and was therefore a candidate for classification through an automated scoring system. Utilizing variant allele frequency, disease prevalence and penetrance estimates, and inheritance mode, an automated score was calculated to assess if this variant is too frequent to cause the disease. Based on the score and internal cut-off values, a variant classified as likely benign is not then subjected to further curation. The score for this variant resulted in a classification of likely benign for this disease.

NM_001203.3(BMPR1B):c.*2433A>G

Gene: BMPR1B (bone morphogenetic protein receptor type 1B; plus strand). Cytogenetic location: 4q22.3.
Variant type: single nucleotide variant.
Coding change: c.*2433A>G on transcript NM_001203.3 (MANE Select); 2433 bases downstream of the stop codon, A replaced by G.
Molecular consequence: 3 prime UTR variant.
Genome position (GRCh38, 1-based): chr4:95,157,106, A>G. VCF-style: chr4-95157106-A-G. GRCh37 (hg19) VCF-style: chr4-96078257-A-G.
Other names: c.*2433A>G (NM_001256792.2, NM_001256793.2, NM_001256794.1).
Identifiers: ClinVar variation 350168 (VCV000350168.5), dbSNP rs139936115, ClinGen allele CA10619638.